The following is an entry in ClinVar:

NM_001166114.2(PNPLA6):c.421C>T (p.Arg141Cys)

Gene: PNPLA6 (patatin like domain 6, lysophospholipase; plus strand). Cytogenetic location: 19p13.2.
Variant type: single nucleotide variant.
Coding change: c.421C>T on transcript NM_001166114.2 (MANE Select); coding-DNA position 421, C replaced by T.
Protein change: p.Arg141Cys; replaces arginine 141 with cysteine.
Molecular consequence: missense variant.
Genome position (GRCh38, 1-based): chr19:7,539,925, C>T. VCF-style: chr19-7539925-C-T. GRCh37 (hg19) VCF-style: chr19-7604811-C-T.
Other names: c.448C>T, p.Arg150Cys (NM_001166111.2); c.304C>T, p.Arg102Cys (NM_001166112.2, NM_001166113.1, NM_006702.5); short protein forms R102C, R141C, R150C.
Identifiers: ClinVar variation 1053942 (VCV001053942.6), dbSNP rs764125789, ClinGen allele CA9139466.

ClinVar aggregate classification (germline): Uncertain significance (1 of 4 stars; one submission).

Conditions:
Hereditary spastic paraplegia 39 (SPG39). Also called: SPASTIC PARAPLEGIA 39, AUTOSOMAL RECESSIVE; Spastic Paraplegia Type 39 (SPG39). Identifiers: Orphanet 139480, MedGen C2677586, MONDO:0012787, OMIM 612020.

Allele frequency attached by ClinVar (database versions not stated): gnomAD exomes below 0.00001; ExAC 0.00006.

Submission:

Labcorp Genetics (formerly Invitae), Labcorp
Classification: Uncertain significance for Hereditary spastic paraplegia 39. Last evaluated: 2024-02-24. Review status: criteria provided, single submitter. Criteria: Invitae Variant Classification Sherloc (09022015). Collection method: clinical testing. Allele origin: germline.
Comment: This sequence change replaces arginine, which is basic and polar, with cysteine, which is neutral and slightly polar, at codon 102 of the PNPLA6 protein (p.Arg102Cys). The frequency data for this variant in the population databases is considered unreliable, as metrics indicate poor data quality at this position in the gnomAD database. This variant has not been reported in the literature in individuals affected with PNPLA6-related conditions. ClinVar contains an entry for this variant (Variation ID: 1053942). Advanced modeling of protein sequence and biophysical properties (such as structural, functional, and spatial information, amino acid conservation, physicochemical variation, residue mobility, and thermodynamic stability) has been performed at Invitae for this missense variant, however the output from this modeling did not meet the statistical confidence thresholds required to predict the impact of this variant on PNPLA6 protein function. In summary, the available evidence is currently insufficient to determine the role of this variant in disease. Therefore, it has been classified as a Variant of Uncertain Significance.